The following is an entry in ClinVar:

ClinVar aggregate classification (germline): Likely pathogenic (1 of 4 stars; one submission).

Conditions:
Intellectual developmental disorder, autosomal dominant 72 (MRD72). Identifiers: Orphanet 652487, MedGen C5830612, MONDO:0957397, OMIM 620439.

Submission:

3billion
Classification: Likely pathogenic for Intellectual developmental disorder, autosomal dominant 72. Last evaluated: 2025-02-20. Review status: criteria provided, single submitter. Criteria: ACMG Guidelines, 2015. Collection method: clinical testing. Allele origin: germline. Affected: yes.
Comment: The variant is not observed in the gnomAD v4.1.0 dataset. Predicted Consequence/Location: Stop-gained (nonsense): predicted to result in a loss or disruption of normal protein function through nonsense-mediated decay (NMD) or protein truncation. Multiple pathogenic variants are reported downstream of the variant. Therefore, this variant is classified as Likely pathogenic according to the recommendation of ACMG/AMP guideline.

NM_016333.4(SRRM2):c.673A>T (p.Lys225Ter)

Gene: SRRM2 (serine/arginine repetitive matrix 2; plus strand). Cytogenetic location: 16p13.3.
Variant type: single nucleotide variant.
Coding change: c.673A>T on transcript NM_016333.4 (MANE Select); coding-DNA position 673, A replaced by T.
Protein change: p.Lys225Ter; replaces lysine 225 with a stop codon.
Molecular consequence: nonsense.
Genome position (GRCh38, 1-based): chr16:2,759,156, A>T. VCF-style: chr16-2759156-A-T. GRCh37 (hg19) VCF-style: chr16-2809157-A-T.
Other names: short protein forms K225*.
Identifiers: ClinVar variation 4292601 (VCV004292601.1).
Genomic context (GRCh38, chr16:2,759,156, plus strand): 5'-GGCAGAGGTGTTTCTTATGTTTTTTCTTCTCTTTTTTCCAACAGGTCAGAATCTGAGTCC[A>T]AGAAACGTAAGCATAGGTAAGAGCTCTTTAACTCATAGGGGGCGCAGTGGCATGTGGAGT-3'